The following is an entry in ClinVar:

NM_001244008.2(KIF1A):c.761G>C (p.Arg254Pro)

Gene: KIF1A (kinesin family member 1A; minus strand). Cytogenetic location: 2q37.3.
Variant type: single nucleotide variant.
Coding change: c.761G>C on transcript NM_001244008.2 (MANE Select); coding-DNA position 761, G replaced by C.
Protein change: p.Arg254Pro; replaces arginine 254 with proline.
Molecular consequence: missense variant.
Genome position (GRCh38, 1-based): chr2:240,783,776, C>G on the plus strand (G>C on the coding strand, the complement: KIF1A is on the minus strand). VCF-style: chr2-240783776-C-G. GRCh37 (hg19) VCF-style: chr2-241723193-C-G.
Other names: c.761G>C, p.Arg254Pro (NM_001320705.2, NM_001330289.2, NM_001330290.2 and 20 more transcripts); short protein forms R254P.
Identifiers: ClinVar variation 392042 (VCV000392042.3), dbSNP rs886041692, ClinGen allele CA16604439.

ClinVar aggregate classification (germline): Pathogenic (1 of 4 stars; one submission).

Submission:

GeneDx
Classification: Pathogenic. Last evaluated: 2019-06-26. Review status: criteria provided, single submitter. Criteria: GeneDx Variant Classification Process June 2021. Collection method: clinical testing. Allele origin: germline. Affected: yes.
Comment: Not observed in large population cohorts (Lek et al., 2016); In silico analysis, which includes protein predictors and evolutionary conservation, supports a deleterious effect; Has not been previously published as pathogenic or benign to our knowledge; This variant is associated with the following publications: (PMID: 33880452)